The following is an entry in ClinVar:

ClinVar aggregate classification (germline): Uncertain significance (1 of 4 stars; one submission).

Allele frequency attached by ClinVar (database versions not stated): gnomAD exomes below 0.00001; TOPMed below 0.00001; ExAC 0.00002; ESP Exome Variant Server 0.00008.
gnomAD v4.1: 1 of 1,613,644 alleles (0.000062%); highest among the groups gnomAD compares: Non-Finnish European, 0.000085%; no homozygotes.

Submission:

Labcorp Genetics (formerly Invitae), Labcorp
Classification: Uncertain significance. Last evaluated: 2024-04-25. Review status: criteria provided, single submitter. Criteria: Invitae Variant Classification Sherloc (09022015). Collection method: clinical testing. Allele origin: germline.
Comment: This sequence change replaces serine, which is neutral and polar, with tyrosine, which is neutral and polar, at codon 17 of the PROM1 protein (p.Ser17Tyr). This variant is present in population databases (rs375970590, gnomAD 0.002%). This variant has not been reported in the literature in individuals affected with PROM1-related conditions. ClinVar contains an entry for this variant (Variation ID: 949769). Experimental studies and prediction algorithms are not available or were not evaluated, and the functional significance of this variant is currently unknown. In summary, the available evidence is currently insufficient to determine the role of this variant in disease. Therefore, it has been classified as a Variant of Uncertain Significance.

NM_006017.3(PROM1):c.50C>A (p.Ser17Tyr)

Gene: PROM1 (prominin 1; minus strand). Cytogenetic location: 4p15.32.
Variant type: single nucleotide variant.
Coding change: c.50C>A on transcript NM_006017.3 (MANE Select); coding-DNA position 50, C replaced by A.
Protein change: p.Ser17Tyr; replaces serine 17 with tyrosine.
Molecular consequence: missense variant.
Genome position (GRCh38, 1-based): chr4:16,075,857, G>T on the plus strand (C>A on the coding strand, the complement: PROM1 is on the minus strand). VCF-style: chr4-16075857-G-T. GRCh37 (hg19) VCF-style: chr4-16077480-G-T.
Other names: c.50C>A, p.Ser17Tyr (NM_001145847.2, NM_001145848.2, NM_001145849.2 and 6 more transcripts); short protein forms S17Y.
Identifiers: ClinVar variation 949769 (VCV000949769.7), dbSNP rs375970590, ClinGen allele CA2867197.
Genomic context (GRCh38, chr4:16,075,857, plus strand): 5'-GGCAATTCATAATTCCAAGCCTTAGGAGCATCTGTGGATGAAGGCTGCCCTCCTGAAAAG[G>T]AGTTCCCGCACAGCCCCAGCAGCAACAGGGAGCCGAGTACGAGGGCCATAGCTAGCAAGA-3'
Protein context (NP_006008.1, residues 7-27): SLLLLGLCGN[Ser17Tyr]FSGGQPSSTD